The following is an entry in ClinVar:

NM_000360.4(TH):c.898del (p.Leu300fs)

Gene: TH (tyrosine hydroxylase; minus strand). Cytogenetic location: 11p15.5.
Variant type: Deletion.
Coding change: c.898del on transcript NM_000360.4 (MANE Select); coding-DNA position 898, one base deleted (C; older notation c.898delC).
Protein change: p.Leu300fs; shifts the reading frame from leucine 300.
Molecular consequence: frameshift variant.
Genome position (GRCh38, 1-based): chr11:2,166,712, G deleted on the plus strand (C on the coding strand, the reverse complement: TH is on the minus strand); the first of 2 consecutive G bases (chr11:2,166,712-2,166,713); deleting either gives the same sequence. VCF-style (leftmost placement, unchanged base first): chr11-2166711-AG-A. GRCh37 (hg19) VCF-style: chr11-2187941-AG-A.
Other names: c.991del, p.Leu331fs (NM_199292.3); c.979del, p.Leu327fs (NM_199293.3); short protein forms L300fs, L331fs, L327fs.
Identifiers: ClinVar variation 2729268 (VCV002729268.3), dbSNP rs2495803371, ClinGen allele CA2611963492.
Genomic context (GRCh38, chr11:2,166,711, plus strand): 5'-GGCGAGGACGCGTGGCGGATATACTGGGTGCACTGGAACACGCGGAAGGCCAGGCTGGCC[AG>A]GAAGTCCCGGGCGGACAGCAGGCCGGCCACAGGCCGCAGCTGGAAGCCCGTGCGCTCTGC-3'

ClinVar aggregate classification (germline): Pathogenic (1 of 4 stars; one submission).

Conditions:
TH-deficient dopa-responsive dystonia. Also called: Tyrosine Hydroxylase-Deficient Dopa-Responsive Dystonia; Segawa syndrome, autosomal recessive; DYT-TH. Identifiers: Orphanet 101150, MedGen C2673535, MONDO:0011551, OMIM 605407.

Submission:

Labcorp Genetics (formerly Invitae), Labcorp
Classification: Pathogenic for TH-deficient dopa-responsive dystonia. Last evaluated: 2023-03-21. Review status: criteria provided, single submitter. Criteria: Invitae Variant Classification Sherloc (09022015). Collection method: clinical testing. Allele origin: germline.
Comment: For these reasons, this variant has been classified as Pathogenic. This variant has not been reported in the literature in individuals affected with TH-related conditions. This variant is not present in population databases (gnomAD no frequency). This sequence change creates a premature translational stop signal (p.Leu331Trpfs*86) in the TH gene. It is expected to result in an absent or disrupted protein product. Loss-of-function variants in TH are known to be pathogenic (PMID: 22264700, 24753243).

Literature cited by the submitters: PubMed 22264700; PubMed 24753243.